The following is an entry in ClinVar:

NM_001018005.2(TPM1):c.294G>A (p.Glu98=)

Gene: TPM1 (tropomyosin 1; plus strand). Cytogenetic location: 15q22.2.
Variant type: single nucleotide variant.
Coding change: c.294G>A on transcript NM_001018005.2 (MANE Select); coding-DNA position 294, G replaced by A.
Protein change: p.Glu98=; no amino-acid change (glutamic acid 98 retained).
Molecular consequence: synonymous variant.
Genome position (GRCh38, 1-based): chr15:63,057,038, G>A. VCF-style: chr15-63057038-G-A. GRCh37 (hg19) VCF-style: chr15-63349237-G-A.
Other names: c.294G>A, p.Glu98= (NM_000366.6, NM_001018004.2, NM_001018006.2 and 6 more transcripts); c.186G>A, p.Glu62= (NM_001018008.2, NM_001301289.2, NM_001330344.2 and 5 more transcripts); c.420G>A, p.Glu140= (NM_001365778.1); c.294G>A (NM_000366.5).
Identifiers: ClinVar variation 919295 (VCV000919295.13), dbSNP rs747206706, ClinGen allele CA028970.

ClinVar aggregate classification (germline): Likely benign. Review status: criteria provided, multiple submitters, no conflicts (2 of 4 stars). 4 submissions from 4 submitters: Likely benign (4). Last evaluated 2024-05-24.

Conditions:
Cardiomyopathy (CMYO). Also called: Cardiomyopathies. Identifiers: Orphanet 167848, MedGen C0878544, MONDO:0004994, HP:0001638. Inheritance: Various modes of inheritance.
Hypertrophic cardiomyopathy. Also called: HYPERTROPHIC MYOCARDIOPATHY. Identifiers: Orphanet 217569, MedGen C0007194, MeSH D002312, MONDO:0005045, HP:0001639.

Allele frequency attached by ClinVar (database versions not stated): gnomAD exomes below 0.00001; ExAC 0.00001; TOPMed 0.00001.
gnomAD v4.1: 2 of 1,614,242 alleles (0.00012%); highest among the groups gnomAD compares: African/African-American, 0.0013%; no homozygotes.

Submissions (4):

All of Us Research Program, National Institutes of Health
Classification: Likely benign for Hypertrophic cardiomyopathy. Last evaluated: 2024-05-24. Review status: criteria provided, single submitter. Criteria: ACMG Guidelines, 2015. Collection method: clinical testing. Allele origin: germline. Inheritance: Autosomal dominant inheritance. Observed: 1 variant allele, 1 heterozygote.
Comment: This study involves interpretation of variants in research participants for the purpose of population health screening. Participant phenotype was not available at the time of variant classification. Additional details can be found in publication PMID: 35346344, PMCID: PMC8962531

Labcorp Genetics (formerly Invitae), Labcorp
Classification: Likely benign for Hypertrophic cardiomyopathy. Last evaluated: 2023-12-08. Review status: criteria provided, single submitter. Criteria: Invitae Variant Classification Sherloc (09022015). Collection method: clinical testing. Allele origin: germline.

Women's Health and Genetics/Laboratory Corporation of America, LabCorp
Classification: Likely benign. Last evaluated: 2023-01-09. Review status: criteria provided, single submitter. Criteria: LabCorp Variant Classification Summary - May 2015. Collection method: clinical testing. Allele origin: germline.

Color Diagnostics, LLC DBA Color Health
Classification: Likely benign for Cardiomyopathy. Last evaluated: 2019-10-09. Review status: criteria provided, single submitter. Criteria: ACMG Guidelines, 2015. Collection method: clinical testing. Allele origin: germline.